The following is an entry in ClinVar:

NM_000179.3(MSH6):c.1334G>C (p.Ser445Thr)

Gene: MSH6 (mutS homolog 6; plus strand). Cytogenetic location: 2p16.3.
Variant type: single nucleotide variant.
Coding change: c.1334G>C on transcript NM_000179.3 (MANE Select); coding-DNA position 1334, G replaced by C.
Protein change: p.Ser445Thr; replaces serine 445 with threonine.
Molecular consequence: missense variant. On other transcripts: non-coding transcript variant (4), intron variant (1).
Genome position (GRCh38, 1-based): chr2:47,799,317, G>C. VCF-style: chr2-47799317-G-C. GRCh37 (hg19) VCF-style: chr2-48026456-G-C.
Other names: c.944G>C, p.Ser315Thr (NM_001281492.2); c.428G>C, p.Ser143Thr (NM_001281493.2, NM_001281494.2, NM_001406811.1 and 6 more transcripts); c.1430G>C, p.Ser477Thr (NM_001406795.1, NM_001406802.1); c.1334G>C, p.Ser445Thr (NM_001406796.1, NM_001406798.1, NM_001406800.1 and 4 more transcripts); c.1037G>C, p.Ser346Thr (NM_001406797.1, NM_001406801.1, NM_001406805.1 and 10 more transcripts); c.809G>C, p.Ser270Thr (NM_001406799.1, NM_001406806.1, NM_001406807.1); c.1256G>C, p.Ser419Thr (NM_001406804.1); c.1340G>C, p.Ser447Thr (NM_001406813.1); and 2 more; short protein forms S143T, S270T, S315T, S346T, S389T, S419T, S445T, S447T.
Identifiers: ClinVar variation 2580967 (VCV002580967.1), dbSNP rs2104337085, ClinGen allele CA346744552.

ClinVar aggregate classification (germline): Uncertain significance (1 of 4 stars; one submission).

Conditions:
Lynch syndrome 5 (LYNCH5). Also called: Colorectal cancer, hereditary nonpolyposis, type 5; Hereditary non-polyposis colorectal cancer, type 5. Identifiers: Orphanet 144, MedGen C1833477, MONDO:0013710, OMIM 614350. Disease mechanism: loss of function.

Submission:

Dr. med. U. Finckh, Human Genetics, Eurofins MVZ
Classification: Uncertain significance for Lynch syndrome 5. Last evaluated: 2023-03-14. Review status: criteria provided, single submitter. Criteria: ACMG Guidelines, 2015. Collection method: clinical testing. Allele origin: unknown. Observed: 1 heterozygote.